The following is an entry in ClinVar:

ClinVar aggregate classification (germline): Uncertain significance. Review status: criteria provided, multiple submitters, no conflicts (2 of 4 stars). 2 submissions from 2 submitters: Uncertain significance (2). Last evaluated 2024-12-15.

Conditions:
Hereditary cancer-predisposing syndrome. Also called: Tumor predisposition; Hereditary neoplastic syndrome; Neoplastic Syndromes, Hereditary; Hereditary Cancer Syndrome. Identifiers: Orphanet 140162, MedGen C0027672, MeSH D009386, MONDO:0015356.
Familial cancer of breast. Also called: BREAST CANCER, FAMILIAL; Hereditary breast cancer; hereditary breast carcinoma. Identifiers: Orphanet 227535, MedGen C0346153, MONDO:0016419, OMIM 114480. Disease mechanism: loss of function.

Submissions (2):

Ambry Genetics
Classification: Uncertain significance for Hereditary cancer-predisposing syndrome. Last evaluated: 2024-12-15. Review status: criteria provided, single submitter. Criteria: Ambry Variant Classification Scheme 2023. Collection method: clinical testing. Allele origin: germline.
Comment: The p.D689E variant (also known as c.2067C>A), located in coding exon 11 of the BARD1 gene, results from a C to A substitution at nucleotide position 2067. The aspartic acid at codon 689 is replaced by glutamic acid, an amino acid with highly similar properties. This amino acid position is conserved. In addition, this alteration is predicted to be tolerated by in silico analysis. Based on the available evidence, the clinical significance of this variant remains unclear.

Labcorp Genetics (formerly Invitae), Labcorp
Classification: Uncertain significance for Familial cancer of breast. Last evaluated: 2019-10-28. Review status: criteria provided, single submitter. Criteria: Invitae Variant Classification Sherloc (09022015). Collection method: clinical testing. Allele origin: germline.
Comment: In summary, the available evidence is currently insufficient to determine the role of this variant in disease. Therefore, it has been classified as a Variant of Uncertain Significance. Algorithms developed to predict the effect of missense changes on protein structure and function output the following: SIFT: "Tolerated"; PolyPhen-2: "Benign"; Align-GVGD: "Class C0". The glutamic acid amino acid residue is found in multiple mammalian species, suggesting that this missense change does not adversely affect protein function. These predictions have not been confirmed by published functional studies and their clinical significance is uncertain. This variant has not been reported in the literature in individuals with BARD1-related conditions. This variant is not present in population databases (ExAC no frequency). This sequence change replaces aspartic acid with glutamic acid at codon 689 of the BARD1 protein (p.Asp689Glu). The aspartic acid residue is moderately conserved and there is a small physicochemical difference between aspartic acid and glutamic acid.

NM_000465.4(BARD1):c.2067C>A (p.Asp689Glu)

Gene: BARD1 (BRCA1 associated RING domain 1; minus strand). Cytogenetic location: 2q35.
Variant type: single nucleotide variant.
Coding change: c.2067C>A on transcript NM_000465.4 (MANE Select); coding-DNA position 2067, C replaced by A.
Protein change: p.Asp689Glu; replaces aspartic acid 689 with glutamic acid.
Molecular consequence: missense variant. On other transcripts: non-coding transcript variant (3).
Genome position (GRCh38, 1-based): chr2:214,728,943, G>T on the plus strand (C>A on the coding strand, the complement: BARD1 is on the minus strand). VCF-style: chr2-214728943-G-T. GRCh37 (hg19) VCF-style: chr2-215593667-G-T.
Other names: c.2067C>A (NM_000465.2); c.2010C>A, p.Asp670Glu (NM_001282543.2); c.714C>A, p.Asp238Glu (NM_001282545.2); c.657C>A, p.Asp219Glu (NM_001282548.2); c.528C>A, p.Asp176Glu (NM_001282549.2); short protein forms D670E, D219E, D689E, D176E, D238E.
Identifiers: ClinVar variation 959964 (VCV000959964.11), dbSNP rs1692224260, ClinGen allele CA350450685.
Genomic context (GRCh38, chr2:214,728,943, plus strand): 5'-TGGCTTGGGCTTTCTACTGAGGATCTGGCCCCCACCTGCAGTGACGAGCTTAATAAGGTT[G>T]TCCTTTGGATGGTGTTTGAAGGTTCCCCACAAATAGAAGTAGCATCCATCAAACAGCTTT-3'
Protein context (NP_000456.2, residues 679-699): LWGTFKHHPK[Asp689Glu]NLIKLVTAGG